The following is an entry in ClinVar:

NM_182914.3(SYNE2):c.2125C>T (p.Pro709Ser)

Gene: SYNE2 (spectrin repeat containing nuclear envelope protein 2; plus strand). Cytogenetic location: 14q23.2.
Variant type: single nucleotide variant.
Coding change: c.2125C>T on transcript NM_182914.3 (MANE Select); coding-DNA position 2125, C replaced by T.
Protein change: p.Pro709Ser; replaces proline 709 with serine.
Molecular consequence: missense variant.
Genome position (GRCh38, 1-based): chr14:63,983,860, C>T. VCF-style: chr14-63983860-C-T. GRCh37 (hg19) VCF-style: chr14-64450578-C-T.
Other names: c.2125C>T, p.Pro709Ser (NM_015180.6); short protein forms P709S.
Identifiers: ClinVar variation 946405 (VCV000946405.14), dbSNP rs749973572, ClinGen allele CA7219605.
Genomic context (GRCh38, chr14:63,983,860, plus strand): 5'-ATTCTATCTAAAGAAGAGAAAGCAACTGTTGAGTTTTCAACAGATATGTCAGTAGAACTT[C>T]CTGAAAATTATAATCAAAATATAAAGGTAAAATAATCATACTTTGTATATTTCACTTGCA-3'
Protein context (NP_878918.2, residues 699-719): EFSTDMSVEL[Pro709Ser]ENYNQNIKAG

ClinVar aggregate classification (germline): Conflicting classifications of pathogenicity. Review status: criteria provided, conflicting classifications (1 of 4 stars). 2 submissions from 2 submitters: Uncertain significance (1); Likely benign (1). Last evaluated 2026-06-01.

Conditions:
Emery-Dreifuss muscular dystrophy 5, autosomal dominant (EDMD5). Also called: EMERY-DREIFUSS MUSCULAR DYSTROPHY 5. Identifiers: Orphanet 261, MedGen C2751805, MONDO:0013072, OMIM 612999.

Allele frequency attached by ClinVar (database versions not stated): gnomAD below 0.00001 and 0.00001; gnomAD exomes 0.00001 and 0.00002; ExAC 0.00002.
gnomAD v4.1: 21 of 1,569,356 alleles (0.0013%); highest among the groups gnomAD compares: South Asian, 0.021%; 1 homozygote.

Submissions (2):

CeGaT Center for Human Genetics Tuebingen
Classification: Likely benign. Last evaluated: 2026-06-01. Review status: criteria provided, single submitter. Criteria: CeGaT Center For Human Genetics Tuebingen Variant Classification Criteria Version 2. Collection method: clinical testing. Allele origin: germline. Affected: yes. Observed: 2 variant alleles.
Comment: SYNE2: BP4, BS2

Labcorp Genetics (formerly Invitae), Labcorp
Classification: Uncertain significance for Emery-Dreifuss muscular dystrophy 5, autosomal dominant. Last evaluated: 2019-05-10. Review status: criteria provided, single submitter. Criteria: Invitae Variant Classification Sherloc (09022015). Collection method: clinical testing. Allele origin: germline.
Comment: This sequence change replaces proline with serine at codon 709 of the SYNE2 protein (p.Pro709Ser). The proline residue is weakly conserved and there is a moderate physicochemical difference between proline and serine. This variant is present in population databases (rs749973572, ExAC 0.01%). This variant has not been reported in the literature in individuals with SYNE2-related conditions. Algorithms developed to predict the effect of missense changes on protein structure and function (SIFT, PolyPhen-2, Align-GVGD) all suggest that this variant is likely to be tolerated, but these predictions have not been confirmed by published functional studies and their clinical significance is uncertain. In summary, the available evidence is currently insufficient to determine the role of this variant in disease. Therefore, it has been classified as a Variant of Uncertain Significance.